The following is an entry in ClinVar:

NM_020738.4(KIDINS220):c.4721C>T (p.Ser1574Leu)

Gene: KIDINS220 (kinase D interacting substrate 220; minus strand). Cytogenetic location: 2p25.1.
Variant type: single nucleotide variant.
Coding change: c.4721C>T on transcript NM_020738.4 (MANE Select); coding-DNA position 4721, C replaced by T.
Protein change: p.Ser1574Leu; replaces serine 1574 with leucine.
Molecular consequence: missense variant. On other transcripts: intron variant (6).
Genome position (GRCh38, 1-based): chr2:8,731,315, G>A on the plus strand (C>T on the coding strand, the complement: KIDINS220 is on the minus strand). VCF-style: chr2-8731315-G-A. GRCh37 (hg19) VCF-style: chr2-8871445-G-A.
Other names: c.4724C>T, p.Ser1575Leu (NM_001348729.2); c.4667C>T, p.Ser1556Leu (NM_001348731.2); c.4664C>T, p.Ser1555Leu (NM_001348732.2); c.4553C>T, p.Ser1518Leu (NM_001348734.2); c.4550C>T, p.Ser1517Leu (NM_001348735.2); c.4424C>T, p.Ser1475Leu (NM_001348736.2); c.3882+2129C>T (NM_001348741.2, NM_001348742.2, NM_001348743.2); c.3996+2129C>T (NM_001348738.2); and 1 more; short protein forms S1475L, S1517L, S1556L, S1574L, S1575L, S1518L, S1555L.
Identifiers: ClinVar variation 4987075 (VCV004987075.1).

ClinVar aggregate classification (germline): Uncertain significance (1 of 4 stars; one submission).

Conditions:
KIDINS220-related disorder. Also called: KIDINS220-related condition.

Submission:

PreventionGenetics, part of Exact Sciences
Classification: Uncertain significance for KIDINS220-related condition. Last evaluated: 2026-01-06. Review status: criteria provided, single submitter. Criteria: ACMG Guidelines, 2015. Collection method: clinical testing. Allele origin: germline.
Comment: The KIDINS220 c.4721C>T variant is predicted to result in the amino acid substitution p.Ser1574Leu. To our knowledge, this variant has not been reported in the literature. This variant is reported in 0.0041% of alleles in individuals of African descent in gnomAD. At this time, the clinical significance of this variant is uncertain due to the absence of conclusive functional and genetic evidence.